The following is an entry in ClinVar:

NM_001025295.3(IFITM5):c.387G>A (p.Ala129=)

Gene: IFITM5 (interferon induced transmembrane protein 5; minus strand). Cytogenetic location: 11p15.5.
Variant type: single nucleotide variant.
Coding change: c.387G>A on transcript NM_001025295.3 (MANE Select); coding-DNA position 387, G replaced by A.
Protein change: p.Ala129=; no amino-acid change (alanine 129 retained).
Molecular consequence: synonymous variant.
Genome position (GRCh38, 1-based): chr11:298,513, C>T on the plus strand (G>A on the coding strand, the complement: IFITM5 is on the minus strand). VCF-style: chr11-298513-C-T. GRCh37 (hg19) VCF-style: chr11-298513-C-T.
Identifiers: ClinVar variation 2084133 (VCV002084133.5), dbSNP rs369240673, ClinGen allele CA5773368.

ClinVar aggregate classification (germline): Likely benign. Review status: criteria provided, multiple submitters, no conflicts (2 of 4 stars). 2 submissions from 2 submitters: Likely benign (2). Last evaluated 2026-09-01.

Allele frequency attached by ClinVar (database versions not stated): TOPMed 0.00003; gnomAD 0.00004; gnomAD exomes 0.00005.
gnomAD v4.1: 82 of 1,611,088 alleles (0.0051%); highest among the groups gnomAD compares: South Asian, 0.0066%; no homozygotes.

Submissions (2):

CeGaT Center for Human Genetics Tuebingen
Classification: Likely benign. Last evaluated: 2026-09-01. Review status: criteria provided, single submitter. Criteria: CeGaT Center For Human Genetics Tuebingen Variant Classification Criteria Version 2. Collection method: clinical testing. Allele origin: germline. Affected: yes. Observed: 1 variant allele.
Comment: IFITM5: BP4, BP7

Labcorp Genetics (formerly Invitae), Labcorp
Classification: Likely benign. Last evaluated: 2025-09-09. Review status: criteria provided, single submitter. Criteria: Invitae Variant Classification Sherloc (09022015). Collection method: clinical testing. Allele origin: germline.